The following is an entry in ClinVar:

ClinVar aggregate classification (germline): Conflicting classifications of pathogenicity. Review status: criteria provided, conflicting classifications (1 of 4 stars). 2 submissions from 2 submitters: Likely pathogenic (1); Uncertain significance (1). Last evaluated 2023-07-19.

Conditions:
Anemia, nonspherocytic hemolytic, due to G6PD deficiency (CNSHA1). Also called: Hemolytic anemia due to G6PD deficiency; Class I glucose-6-phosphate dehydrogenase deficiency; Favism, susceptibility to; ANEMIA, CONGENITAL, NONSPHEROCYTIC HEMOLYTIC, 1. Identifiers: Orphanet 466026, MedGen C2720289, MONDO:0010480, OMIM 300908.

gnomAD v4.1: 7 of 1,211,749 alleles (0.00058%); highest among the groups gnomAD compares: South Asian, 0.0053%; no homozygotes.

Submissions (2):

Women's Health and Genetics/Laboratory Corporation of America, LabCorp
Classification: Uncertain significance. Last evaluated: 2023-07-19. Review status: criteria provided, single submitter. Criteria: LabCorp Variant Classification Summary - May 2015. Collection method: clinical testing. Allele origin: germline.
Comment: Variant summary: G6PD c.829G>A (p.Gly277Arg) results in a non-conservative amino acid change located in the Glucose-6-phosphate dehydrogenase, C-terminal domain (IPR022675) of the encoded protein sequence. Five of five in-silico tools predict a damaging effect of the variant on protein function. The variant allele was found at a frequency of 5.5e-06 in 183107 control chromosomes (gnomAD). The available data on variant occurrences in the general population are insufficient to allow any conclusion about variant significance. These data do not allow any conclusion about variant significance. One submitter has cited clinical-significance assessments for this variant to ClinVar after 2014 and has classified the variant as likely pathogenic. Based on the evidence outlined above, the variant was classified as uncertain significance.

Dunham Lab, University of Washington
Classification: Likely pathogenic for Anemia, nonspherocytic hemolytic, due to G6PD deficiency. Last evaluated: 2022-08-12. Review status: criteria provided, single submitter. Criteria: Bayesian ACMG Guidelines, 2018. Collection method: curation. Allele origin: unknown. Affected: yes.
Comment: Decreased activity in red blood cells (PS3). Below expected carrier frequency in gnomAD (PM2). Post_P 0.949 (odds of pathogenicity 168.4, Prior_P 0.1).

Literature cited by the submitters: PubMed 32156605 (cited by Women's Health and Genetics/Laboratory Corporation of America, LabCorp); PubMed 36212124 (cited by Women's Health and Genetics/Laboratory Corporation of America, LabCorp); PubMed 27495838 (cited by Women's Health and Genetics/Laboratory Corporation of America, LabCorp and Dunham Lab, University of Washington).

NM_001360016.2(G6PD):c.739G>A (p.Gly247Arg)

Gene: G6PD (glucose-6-phosphate dehydrogenase; minus strand). Cytogenetic location: Xq28.
Variant type: single nucleotide variant.
Coding change: c.739G>A on transcript NM_001360016.2 (MANE Select); coding-DNA position 739, G replaced by A.
Protein change: p.Gly247Arg; replaces glycine 247 with arginine.
Molecular consequence: missense variant.
Genome position (GRCh38, 1-based): chrX:154,534,066, C>T on the plus strand (G>A on the coding strand, the complement: G6PD is on the minus strand). VCF-style: chrX-154534066-C-T. GRCh37 (hg19) VCF-style: chrX-153762281-C-T.
Other names: c.829G>A, p.Gly277Arg (NM_000402.4); c.739G>A, p.Gly247Arg (NM_001042351.3); short protein forms G247R, G277R.
Identifiers: ClinVar variation 1722755 (VCV001722755.3), dbSNP rs1028993341, ClinGen allele CA337317234.